The following is an entry in ClinVar:

ClinVar aggregate classification (germline): Uncertain significance. Review status: criteria provided, multiple submitters, no conflicts (2 of 4 stars). 4 submissions from 4 submitters: Uncertain significance (4). Last evaluated 2025-07-09.

Conditions:
Familial adenomatous polyposis 1 (FAP1). Also called: FAMILIAL ADENOMATOUS POLYPOSIS 1, ATTENUATED; POLYPOSIS, ADENOMATOUS INTESTINAL. Identifiers: MedGen C2713442, MONDO:0021056, OMIM 175100. Disease mechanism: loss of function.
Classic or attenuated familial adenomatous polyposis. Identifiers: MedGen CN372698, MONDO:0021057.
Hereditary cancer-predisposing syndrome. Also called: Tumor predisposition; Hereditary neoplastic syndrome; Neoplastic Syndromes, Hereditary; Hereditary Cancer Syndrome. Identifiers: Orphanet 140162, MedGen C0027672, MeSH D009386, MONDO:0015356.

Allele frequency attached by ClinVar (database versions not stated): gnomAD exomes below 0.00001; gnomAD 0.00001.
gnomAD v4.1: 4 of 1,613,670 alleles (0.00025%); highest among the groups gnomAD compares: Admixed American, 0.005%; no homozygotes.

Submissions (4):

Labcorp Genetics (formerly Invitae), Labcorp
Classification: Uncertain significance for Familial adenomatous polyposis 1. Last evaluated: 2025-07-09. Review status: criteria provided, single submitter. Criteria: Invitae Variant Classification Sherloc (09022015). Collection method: clinical testing. Allele origin: germline.
Comment: This sequence change replaces isoleucine, which is neutral and non-polar, with valine, which is neutral and non-polar, at codon 475 of the APC protein (p.Ile475Val). This variant is present in population databases (no rsID available, gnomAD 0.006%). This variant has not been reported in the literature in individuals affected with APC-related conditions. ClinVar contains an entry for this variant (Variation ID: 819181). Invitae Evidence Modeling of protein sequence and biophysical properties (such as structural, functional, and spatial information, amino acid conservation, physicochemical variation, residue mobility, and thermodynamic stability) indicates that this missense variant is not expected to disrupt APC protein function with a negative predictive value of 95%. In summary, the available evidence is currently insufficient to determine the role of this variant in disease. Therefore, it has been classified as a Variant of Uncertain Significance.

Ambry Genetics
Classification: Uncertain significance for Hereditary cancer-predisposing syndrome. Last evaluated: 2025-05-08. Review status: criteria provided, single submitter. Criteria: Ambry Variant Classification Scheme 2023. Collection method: clinical testing. Allele origin: germline.
Comment: The p.I475V variant (also known as c.1423A>G), located in coding exon 11 of the APC gene, results from an A to G substitution at nucleotide position 1423. The isoleucine at codon 475 is replaced by valine, an amino acid with highly similar properties. This amino acid position is well conserved in available vertebrate species. In addition, in silico predictors for this gene do not accurately predict pathogenicity. Missense alterations in APC are not a common cause of disease (Spier I et al. Genet Med. 2024 Feb;26(2):100992). Based on the available evidence, the clinical significance of this variant remains unclear.

Color Diagnostics, LLC DBA Color Health
Classification: Uncertain significance for Hereditary cancer-predisposing syndrome. Last evaluated: 2024-03-06. Review status: criteria provided, single submitter. Criteria: ACMG Guidelines, 2015. Collection method: clinical testing. Allele origin: germline.
Comment: This missense variant replaces isoleucine with valine at codon 475 in the APC protein. Computational prediction suggests that this variant may not impact protein structure and function (internally defined REVEL score threshold <= 0.5, PMID: 27666373). To our knowledge, functional studies have not been reported for this variant. This variant has not been reported in individuals affected with APC-related disorders in the literature. This variant has been identified in 1/251082 chromosomes in the general population by the Genome Aggregation Database (gnomAD). The available evidence is insufficient to determine the role of this variant in disease conclusively. Therefore, this variant is classified as a Variant of Uncertain Significance.

All of Us Research Program, National Institutes of Health
Classification: Uncertain significance for Classic or attenuated familial adenomatous polyposis. Last evaluated: 2023-10-02. Review status: criteria provided, single submitter. Criteria: ACMG Guidelines, 2015. Collection method: clinical testing. Allele origin: germline. Inheritance: Autosomal dominant inheritance. Observed: 1 variant allele, 1 heterozygote.
Comment: This missense variant replaces isoleucine with valine at codon 475 in the APC protein. Computational prediction suggests that this variant may not impact protein structure and function (internally defined REVEL score threshold <= 0.5, PMID: 27666373). To our knowledge, functional studies have not been reported for this variant. This variant has not been reported in individuals affected with APC-related disorders in the literature. This variant has been identified in 1/251082 chromosomes in the general population by the Genome Aggregation Database (gnomAD). The available evidence is insufficient to determine the role of this variant in disease conclusively. Therefore, this variant is classified as a Variant of Uncertain Significance.

This study involves interpretation of variants in research participants for the purpose of population health screening. Participant phenotype was not available at the time of variant classification. Additional details can be found in publication PMID: 35346344, PMCID: PMC8962531

NM_000038.6(APC):c.1423A>G (p.Ile475Val)

Gene: APC (APC regulator of Wnt signaling pathway; plus strand). Cytogenetic location: 5q22.2.
Variant type: single nucleotide variant.
Coding change: c.1423A>G on transcript NM_000038.6 (MANE Select); coding-DNA position 1423, A replaced by G.
Protein change: p.Ile475Val; replaces isoleucine 475 with valine.
Molecular consequence: missense variant.
Genome position (GRCh38, 1-based): chr5:112,827,122, A>G. VCF-style: chr5-112827122-A-G. GRCh37 (hg19) VCF-style: chr5-112162819-A-G.
Other names: c.1423A>G, p.Ile475Val (NM_001127510.3, NM_001354895.2); c.1369A>G, p.Ile457Val (NM_001127511.3); c.1477A>G, p.Ile493Val (NM_001354896.2); c.1453A>G, p.Ile485Val (NM_001354897.2); c.1348A>G, p.Ile450Val (NM_001354898.2); c.1339A>G, p.Ile447Val (NM_001354899.2); c.1300A>G, p.Ile434Val (NM_001354900.2); c.1246A>G, p.Ile416Val (NM_001354901.2); and 5 more; short protein forms I349V, I447V, I315V, I374V, I457V, I384V, I416V, I450V.
Identifiers: ClinVar variation 819181 (VCV000819181.19), dbSNP rs1183706810, ClinGen allele CA16024421.